The following is an entry in ClinVar:

NC_000004.11:g.(?_128878646)_(128886298_?)del

Gene: MFSD8 (major facilitator superfamily domain containing 8; minus strand). Cytogenetic location: 4q28.2.
Variant type: Deletion.
Identifiers: ClinVar variation 1459891 (VCV001459891.1).

ClinVar aggregate classification (germline): Pathogenic (1 of 4 stars; one submission).

Conditions:
Neuronal ceroid lipofuscinosis 7 (CLN7). Also called: MFSD8-Related Neuronal Ceroid-Lipofuscinosis. Identifiers: Orphanet 168491, Orphanet 228366, MedGen C1838571, MONDO:0012588, OMIM 610951.

Submission:

Labcorp Genetics (formerly Invitae), Labcorp
Classification: Pathogenic for Neuronal ceroid lipofuscinosis 7. Last evaluated: 2021-09-08. Review status: criteria provided, single submitter. Criteria: Invitae Variant Classification Sherloc (09022015). Collection method: clinical testing. Allele origin: germline.
Comment: This variant is a gross deletion of the genomic region encompassing exon(s) 2-3 of the MFSD8 gene, which includes the initiator codon. This deletion extends beyond the assayed region for this gene and therefore may encompass additional genes. It is expected to result in an absent or disrupted protein product. Loss-of-function variants in MFSD8 are known to be pathogenic (PMID: 19177532, 25227500, 28586915). This variant has not been reported in the literature in individuals affected with MFSD8-related conditions. For these reasons, this variant has been classified as Pathogenic.

Literature cited by the submitters: PubMed 19177532; PubMed 25227500; PubMed 28586915.